The following is an entry in ClinVar:

NM_032806.6(POMGNT2):c.329G>A (p.Arg110Gln)

Gene: POMGNT2 (protein O-linked mannose N-acetylglucosaminyltransferase 2 (beta 1,4-); minus strand). Cytogenetic location: 3p22.1.
Variant type: single nucleotide variant.
Coding change: c.329G>A on transcript NM_032806.6 (MANE Select); coding-DNA position 329, G replaced by A.
Protein change: p.Arg110Gln; replaces arginine 110 with glutamine.
Molecular consequence: missense variant.
Genome position (GRCh38, 1-based): chr3:43,081,103, C>T on the plus strand (G>A on the coding strand, the complement: POMGNT2 is on the minus strand). VCF-style: chr3-43081103-C-T. GRCh37 (hg19) VCF-style: chr3-43122595-C-T.
Other names: c.329G>A (NM_032806.4); short protein forms R110Q.
Identifiers: ClinVar variation 961733 (VCV000961733.5), dbSNP rs772319958, ClinGen allele CA2340103.

ClinVar aggregate classification (germline): Uncertain significance. Review status: criteria provided, multiple submitters, no conflicts (2 of 4 stars). 2 submissions from 2 submitters: Uncertain significance (2). Last evaluated 2022-02-10.

Conditions:
Inborn genetic diseases. Identifiers: MedGen C0950123, MeSH D030342.
Muscular dystrophy-dystroglycanopathy (congenital with brain and eye anomalies), type a, 8 (MDDGA8). Also called: WALKER-WARBURG SYNDROME OR MUSCLE-EYE-BRAIN DISEASE, GTDC2-RELATED. Identifiers: Orphanet 899, MedGen C3553813, MONDO:0013904, OMIM 614830.

Allele frequency attached by ClinVar (database versions not stated): gnomAD exomes 0.00001 and 0.00002; ExAC 0.00002.
gnomAD v4.1: 16 of 1,614,152 alleles (0.00099%); highest among the groups gnomAD compares: South Asian, 0.0066%; no homozygotes.

Submissions (2):

Ambry Genetics
Classification: Uncertain significance for Inborn genetic diseases. Last evaluated: 2022-02-10. Review status: criteria provided, single submitter. Criteria: Ambry Variant Classification Scheme 2023. Collection method: clinical testing. Allele origin: germline.

Labcorp Genetics (formerly Invitae), Labcorp
Classification: Uncertain significance for Muscular dystrophy-dystroglycanopathy (congenital with brain and eye anomalies), type a, 8. Last evaluated: 2019-09-19. Review status: criteria provided, single submitter. Criteria: Invitae Variant Classification Sherloc (09022015). Collection method: clinical testing. Allele origin: germline.
Comment: In summary, the available evidence is currently insufficient to determine the role of this variant in disease. Therefore, it has been classified as a Variant of Uncertain Significance. Algorithms developed to predict the effect of sequence changes on RNA splicing suggest that this variant may create or strengthen a splice site, but this prediction has not been confirmed by published transcriptional studies. Algorithms developed to predict the effect of missense changes on protein structure and function (SIFT, PolyPhen-2, Align-GVGD) all suggest that this variant is likely to be disruptive, but these predictions have not been confirmed by published functional studies and their clinical significance is uncertain. This variant has not been reported in the literature in individuals with POMGNT2-related conditions. This variant is present in population databases (rs772319958, ExAC 0.009%). This sequence change replaces arginine with glutamine at codon 110 of the POMGNT2 protein (p.Arg110Gln). The arginine residue is highly conserved and there is a small physicochemical difference between arginine and glutamine.